The following is an entry in ClinVar:

ClinVar aggregate classification (germline): Pathogenic (1 of 4 stars; one submission).

Conditions:
Intellectual disability, autosomal dominant 14 (CSS2). Also called: COFFIN-SIRIS SYNDROME 2. Identifiers: Orphanet 1465, MedGen C3553247, MONDO:0013819, OMIM 614607.

Submission:

Victorian Clinical Genetics Services, Murdoch Childrens Research Institute
Classification: Pathogenic for Intellectual disability, autosomal dominant 14. Last evaluated: 2022-02-02. Review status: criteria provided, single submitter. Criteria: ACMG Guidelines, 2015. Collection method: clinical testing. Allele origin: germline. Inheritance: Autosomal dominant inheritance. Affected: yes.
Comment: Based on the classification scheme VCGS_Germline_v1.3.4, this variant is classified as Pathogenic. Following criteria are met: 0102 - Loss of function is a known mechanism of disease in this gene and is associated with Coffin-Siris syndrome 2 (MIM#614607). (I) 0107 - This gene is associated with autosomal dominant disease. (I) 0200 - Variant is predicted to result in a missense amino acid change from arginine to tryptophan. (I) 0251 - This variant is heterozygous. (I) 0301 - Variant is absent from gnomAD (both v2 and v3). (SP) 0501 - Missense variant consistently predicted to be damaging by multiple in silico tools or highly conserved with a major amino acid change. (SP) 0602 - Variant is located in a hotspot region or cluster of pathogenic variants (Decipher). (I) 0704 - Another missense variant comparable to the one identified in this case has limited previous evidence for pathogenicity. An alternative change to a lysine has been reported once as pathogenic (LOVD). (SP) 0807 - This variant has no previous evidence of pathogenicity. (I) 0905 - No published segregation evidence has been identified for this variant. (I) 1007 - No published functional evidence has been identified for this variant. (I) 1102 - Strong phenotype match for this individual. (SP) Legend: (SP) - Supporting pathogenic, (I) - Information, (SB) - Supporting benign

NM_006015.6(ARID1A):c.3058A>T (p.Arg1020Trp)

Gene: ARID1A (AT-rich interaction domain 1A; plus strand). Cytogenetic location: 1p36.11.
Variant type: single nucleotide variant.
Coding change: c.3058A>T on transcript NM_006015.6 (MANE Select); coding-DNA position 3058, A replaced by T.
Protein change: p.Arg1020Trp; replaces arginine 1020 with tryptophan.
Molecular consequence: missense variant.
Genome position (GRCh38, 1-based): chr1:26,767,859, A>T. VCF-style: chr1-26767859-A-T. GRCh37 (hg19) VCF-style: chr1-27094350-A-T.
Other names: c.3058A>T, p.Arg1020Trp (NM_139135.4); short protein forms R1020W.
Identifiers: ClinVar variation 1699033 (VCV001699033.3), dbSNP rs2124086560, ClinGen allele CA339163099.